The following is an entry in ClinVar:

NM_032620.4(GTPBP3):c.248G>A (p.Ser83Asn)

Gene: GTPBP3 (GTP binding protein 3, mitochondrial; plus strand). Cytogenetic location: 19p13.11.
Variant type: single nucleotide variant.
Coding change: c.248G>A on transcript NM_032620.4 (MANE Select); coding-DNA position 248, G replaced by A.
Protein change: p.Ser83Asn; replaces serine 83 with asparagine.
Molecular consequence: missense variant.
Genome position (GRCh38, 1-based): chr19:17,338,202, G>A. VCF-style: chr19-17338202-G-A. GRCh37 (hg19) VCF-style: chr19-17449011-G-A.
Other names: c.248G>A, p.Ser83Asn (NM_001128855.3, NM_133644.4); c.314G>A, p.Ser105Asn (NM_001195422.1); short protein forms S83N, S105N.
Identifiers: ClinVar variation 1428135 (VCV001428135.8), dbSNP rs751069450, ClinGen allele CA9293268.
Genomic context (GRCh38, chr19:17,338,202, plus strand): 5'-GAATTCTCACAGCACCCCGAGACCTGCCCCTTGCTCGCCACGCCAGCCTGCGCCTGCTCA[G>A]CGATCCCCGCTCCGGGGAGCCTCTGGACCGCGCACTGGTGCTCTGGTTCCCAGGTGAGGG-3'
Protein context (NP_116009.2, residues 73-93): LARHASLRLL[Ser83Asn]DPRSGEPLDR

ClinVar aggregate classification (germline): Uncertain significance (1 of 4 stars; one submission).

Allele frequency attached by ClinVar (database versions not stated): TOPMed below 0.00001; gnomAD exomes 0.00002; ExAC 0.00005.

Submission:

Labcorp Genetics (formerly Invitae), Labcorp
Classification: Uncertain significance. Last evaluated: 2025-08-21. Review status: criteria provided, single submitter. Criteria: Invitae Variant Classification Sherloc (09022015). Collection method: clinical testing. Allele origin: germline.
Comment: This sequence change replaces serine, which is neutral and polar, with asparagine, which is neutral and polar, at codon 83 of the GTPBP3 protein (p.Ser83Asn). This variant is present in population databases (rs751069450, gnomAD 0.01%). This variant has not been reported in the literature in individuals affected with GTPBP3-related conditions. ClinVar contains an entry for this variant (Variation ID: 1428135). Invitae Evidence Modeling of protein sequence and biophysical properties (such as structural, functional, and spatial information, amino acid conservation, physicochemical variation, residue mobility, and thermodynamic stability) indicates that this missense variant is not expected to disrupt GTPBP3 protein function with a negative predictive value of 80%. In summary, the available evidence is currently insufficient to determine the role of this variant in disease. Therefore, it has been classified as a Variant of Uncertain Significance.